The following is an entry in ClinVar:

NM_005562.3(LAMC2):c.2838T>A (p.Tyr946Ter)

Gene: LAMC2 (laminin subunit gamma 2; plus strand). Cytogenetic location: 1q25.3.
Variant type: single nucleotide variant.
Coding change: c.2838T>A on transcript NM_005562.3 (MANE Select); coding-DNA position 2838, T replaced by A.
Protein change: p.Tyr946Ter; replaces tyrosine 946 with a stop codon.
Molecular consequence: nonsense.
Genome position (GRCh38, 1-based): chr1:183,238,390, T>A. VCF-style: chr1-183238390-T-A. GRCh37 (hg19) VCF-style: chr1-183207525-T-A.
Other names: c.2838T>A, p.Tyr946Ter (NM_018891.3); short protein forms Y946*.
Identifiers: ClinVar variation 983667 (VCV000983667.3), dbSNP rs1173478186, ClinGen allele CA343699299.

ClinVar aggregate classification (germline): Likely pathogenic (1 of 4 stars; one submission).

Conditions:
Junctional epidermolysis bullosa gravis of Herlitz. Also called: Herlitz-type junctional epidermolysis bullosa; Epidermolysis Bullosa Letalis; EPIDERMOLYSIS BULLOSA, JUNCTIONAL 1B, SEVERE; EPIDERMOLYSIS BULLOSA JUNCTIONALIS, HERLITZ TYPE; EPIDERMOLYSIS BULLOSA, JUNCTIONAL, HERLITZ-PEARSON TYPE; JEB-HERLITZ TYPE. Identifiers: Orphanet 79404, MedGen C0079683, MONDO:0009182, OMIM 226700.

Submission:

Myriad Genetics, Inc.
Classification: Likely pathogenic for Junctional epidermolysis bullosa gravis of Herlitz. Last evaluated: 2019-06-10. Review status: criteria provided, single submitter. Criteria: Myriad Women's Health Autosomal Recessive and X-Linked Classification Criteria (2019). Collection method: clinical testing. Allele origin: unknown.
Comment: NM_005562.2(LAMC2):c.2838T>A(Y946*) is expected to be pathogenic in the context of junctional epidermolysis bullosa, LAMC2-related. This variant is predicted to lead to an abnormal or absent protein product due to the creation of a premature termination codon in LAMC2, a gene where loss-of-function variants are known to be pathogenic. Please note: this variant was assessed in the context of healthy population screening.